The following is an entry in ClinVar:

NM_031483.7(ITCH):c.1100A>G (p.Gln367Arg)

Gene: ITCH (itchy E3 ubiquitin protein ligase; plus strand). Cytogenetic location: 20q11.22.
Variant type: single nucleotide variant.
Coding change: c.1100A>G on transcript NM_031483.7 (MANE Select); coding-DNA position 1100, A replaced by G.
Protein change: p.Gln367Arg; replaces glutamine 367 with arginine.
Molecular consequence: missense variant.
Genome position (GRCh38, 1-based): chr20:34,445,421, A>G. VCF-style: chr20-34445421-A-G. GRCh37 (hg19) VCF-style: chr20-33033226-A-G.
Other names: c.1223A>G, p.Gln408Arg (NM_001257137.3, NM_001324197.2); c.770A>G, p.Gln257Arg (NM_001257138.3); c.1100A>G, p.Gln367Arg (NM_001324198.2); short protein forms Q257R, Q367R, Q408R.
Identifiers: ClinVar variation 1063230 (VCV001063230.9), dbSNP rs2146306788, ClinGen allele CA408664170.

ClinVar aggregate classification (germline): Uncertain significance (1 of 4 stars; one submission).

Conditions:
Syndromic multisystem autoimmune disease due to ITCH deficiency. Also called: AUTOIMMUNE DISEASE, MULTISYSTEM, WITH FACIAL DYSMORPHISM. Identifiers: Orphanet 228426, MedGen C3150649, MONDO:0013245, OMIM 613385.

Submission:

Labcorp Genetics (formerly Invitae), Labcorp
Classification: Uncertain significance for Syndromic multisystem autoimmune disease due to ITCH deficiency. Last evaluated: 2024-01-15. Review status: criteria provided, single submitter. Criteria: Invitae Variant Classification Sherloc (09022015). Collection method: clinical testing. Allele origin: germline.
Comment: This sequence change replaces glutamine, which is neutral and polar, with arginine, which is basic and polar, at codon 367 of the ITCH protein (p.Gln367Arg). This variant is not present in population databases (gnomAD no frequency). This variant has not been reported in the literature in individuals affected with ITCH-related conditions. ClinVar contains an entry for this variant (Variation ID: 1063230). An algorithm developed to predict the effect of missense changes on protein structure and function (PolyPhen-2) suggests that this variant is likely to be tolerated. In summary, the available evidence is currently insufficient to determine the role of this variant in disease. Therefore, it has been classified as a Variant of Uncertain Significance.